The following is an entry in ClinVar:

NM_001271938.2(MEGF8):c.4529G>A (p.Arg1510His)

Gene: MEGF8 (multiple EGF like domains 8; plus strand). Cytogenetic location: 19q13.2.
Variant type: single nucleotide variant.
Coding change: c.4529G>A on transcript NM_001271938.2 (MANE Select); coding-DNA position 4529, G replaced by A.
Protein change: p.Arg1510His; replaces arginine 1510 with histidine.
Molecular consequence: missense variant.
Genome position (GRCh38, 1-based): chr19:42,356,360, G>A. VCF-style: chr19-42356360-G-A. GRCh37 (hg19) VCF-style: chr19-42860512-G-A.
Other names: c.4328G>A, p.Arg1443His (NM_001410.3); c.4328G>A (NM_001410.2); short protein forms R1443H, R1510H.
Identifiers: ClinVar variation 1401482 (VCV001401482.5), dbSNP rs541874206, ClinGen allele CA9475310.
Genomic context (GRCh38, chr19:42,356,360, plus strand): 5'-CTAGCCTGATCCCCAATGTCCGCACCCACCCCTAGGACACTGCCAGCCGCTTCCTGCACC[G>A]CCTGGGCCACACCATGGTGGATGGACCCGATGCCACCTTGTGGATGTTTGGGGGCCTGGG-3'
Protein context (NP_001258867.1, residues 1500-1520): SADTASRFLH[Arg1510His]LGHTMVDGPD

ClinVar aggregate classification (germline): Uncertain significance. Review status: criteria provided, multiple submitters, no conflicts (2 of 4 stars). 3 submissions from 3 submitters: Uncertain significance (3). Last evaluated 2025-03-12.

Conditions:
Inborn genetic diseases. Identifiers: MedGen C0950123, MeSH D030342.
MEGF8-related Carpenter syndrome. Also called: Carpenter syndrome 2. Identifiers: Orphanet 65759, MedGen C3554247, MONDO:0013998, OMIM 614976.

Allele frequency attached by ClinVar (database versions not stated): ExAC 0.00006; 1000 Genomes Project 30x 0.00016; 1000 Genomes Project 0.00020.
gnomAD v4.1: 70 of 1,612,978 alleles (0.0043%); highest among the groups gnomAD compares: African/African-American, 0.033%; no homozygotes.

Submissions (3):

GeneDx
Classification: Uncertain significance. Last evaluated: 2025-03-12. Review status: criteria provided, single submitter. Criteria: GeneDx Variant Classification Process June 2021. Collection method: clinical testing. Allele origin: germline. Affected: yes.
Comment: In silico analysis supports that this missense variant has a deleterious effect on protein structure/function; Has not been previously published as pathogenic or benign to our knowledge

Labcorp Genetics (formerly Invitae), Labcorp
Classification: Uncertain significance for MEGF8-related Carpenter syndrome. Last evaluated: 2021-09-28. Review status: criteria provided, single submitter. Criteria: Invitae Variant Classification Sherloc (09022015). Collection method: clinical testing. Allele origin: germline.
Comment: This sequence change replaces arginine with histidine at codon 1443 of the MEGF8 protein (p.Arg1443His). The arginine residue is highly conserved and there is a small physicochemical difference between arginine and histidine. This variant is present in population databases (rs541874206, ExAC 0.05%). This variant has not been reported in the literature in individuals affected with MEGF8-related conditions. Algorithms developed to predict the effect of missense changes on protein structure and function are either unavailable or do not agree on the potential impact of this missense change (SIFT: "Deleterious"; PolyPhen-2: "Probably Damaging"; Align-GVGD: "Class C0"). In summary, the available evidence is currently insufficient to determine the role of this variant in disease. Therefore, it has been classified as a Variant of Uncertain Significance.

Ambry Genetics
Classification: Uncertain significance for Inborn genetic diseases. Last evaluated: 2021-08-17. Review status: criteria provided, single submitter. Criteria: Ambry Variant Classification Scheme 2023. Collection method: clinical testing. Allele origin: germline.